The following is an entry in ClinVar:

NM_032130.3(FAM186B):c.1513AAG[1] (p.Lys506del)

Gene: FAM186B (family with sequence similarity 186 member B; minus strand). Cytogenetic location: 12q13.12.
Variant type: Microsatellite.
Coding change: c.1513AAG[1] on transcript NM_032130.3 (MANE Select); one copy of the 3-base unit AAG starting at c.1513; the reference has two copies in a row; one copy, 3 bases deleted.
Protein change: p.Lys506del; deletes lysine 506.
Molecular consequence: inframe deletion. On other transcripts: non-coding transcript variant (1).
Genome position (GRCh38, 1-based): chr12:49,600,122-49,600,124, CTT deleted on the plus strand (AAG on the coding strand, the reverse complement: FAM186B is on the minus strand); deleting any 3 consecutive bases within chr12:49,600,122-49,600,129 gives the same sequence; the position shown is the placement nearest the transcript's 3' end. VCF-style (leftmost placement, unchanged base first): chr12-49600121-ACTT-A. GRCh37 (hg19) VCF-style: chr12-49993904-ACTT-A.
Other names: short protein forms K506del.
Identifiers: ClinVar variation 1439731 (VCV001439731.7), dbSNP rs775998573, ClinGen allele CA6554673.

ClinVar aggregate classification (germline): Uncertain significance. Review status: criteria provided, multiple submitters, no conflicts (2 of 4 stars). 2 submissions from 2 submitters: Uncertain significance (2). Last evaluated 2025-01-24.

Submissions (2):

Labcorp Genetics (formerly Invitae), Labcorp
Classification: Uncertain significance. Last evaluated: 2025-01-24. Review status: criteria provided, single submitter. Criteria: Invitae Variant Classification Sherloc (09022015). Collection method: clinical testing. Allele origin: germline.
Comment: This variant, c.1516_1518del, results in the deletion of 1 amino acid(s) of the FAM186B protein (p.Lys506del), but otherwise preserves the integrity of the reading frame. This variant is present in population databases (rs775998573, gnomAD 0.1%), and has an allele count higher than expected for a pathogenic variant. This variant has not been reported in the literature in individuals affected with FAM186B-related conditions. Experimental studies and prediction algorithms are not available or were not evaluated, and the functional significance of this variant is currently unknown. In summary, the available evidence is currently insufficient to determine the role of this variant in disease. Therefore, it has been classified as a Variant of Uncertain Significance.

Breakthrough Genomics
Classification: Uncertain significance. Review status: criteria provided, single submitter. Criteria: ACMG Guidelines, 2015. Collection method: not provided. Allele origin: germline. Inheritance: Unknown mechanism. Affected: yes.